The following is an entry in ClinVar:

NM_001012338.3(NTRK3):c.516G>A (p.Gln172=)

Gene: NTRK3 (neurotrophic receptor tyrosine kinase 3; minus strand). Cytogenetic location: 15q25.3.
Variant type: single nucleotide variant.
Coding change: c.516G>A on transcript NM_001012338.3 (MANE Select); coding-DNA position 516, G replaced by A.
Protein change: p.Gln172=; no amino-acid change (glutamine 172 retained).
Molecular consequence: synonymous variant.
Genome position (GRCh38, 1-based): chr15:88,137,510, C>T on the plus strand (G>A on the coding strand, the complement: NTRK3 is on the minus strand). VCF-style: chr15-88137510-C-T. GRCh37 (hg19) VCF-style: chr15-88680741-C-T.
Other names: c.516G>A, p.Gln172= (NM_001007155.1, NM_001007156.3, NM_001243101.2 and 7 more transcripts); c.222G>A, p.Gln74= (NM_001320135.2).
Identifiers: ClinVar variation 3053276 (VCV003053276.2), dbSNP rs2551089701, ClinGen allele CA492031524.

ClinVar aggregate classification (germline): Likely benign (0 of 4 stars; one submission).

Conditions:
NTRK3-related disorder. Also called: NTRK3-related condition.

Allele frequency attached by ClinVar (database versions not stated): gnomAD exomes below 0.00001.
gnomAD v4.1: 2 of 1,614,192 alleles (0.00012%); highest among the groups gnomAD compares: South Asian, 0.0011%; no homozygotes.

Submission:

PreventionGenetics, part of Exact Sciences
Classification: Likely benign for NTRK3-related condition. Last evaluated: 2022-12-28. Review status: no assertion criteria provided. Collection method: clinical testing. Allele origin: germline.
Comment: This variant is classified as likely benign based on ACMG/AMP sequence variant interpretation guidelines (Richards et al. 2015 PMID: 25741868, with internal and published modifications).